The following is an entry in ClinVar:

NM_000748.3(CHRNB2):c.294G>A (p.Glu98=)

Gene: CHRNB2 (cholinergic receptor nicotinic beta 2 subunit; plus strand). Cytogenetic location: 1q21.3.
Variant type: single nucleotide variant.
Coding change: c.294G>A on transcript NM_000748.3 (MANE Select); coding-DNA position 294, G replaced by A.
Protein change: p.Glu98=; no amino-acid change (glutamic acid 98 retained).
Molecular consequence: synonymous variant.
Genome position (GRCh38, 1-based): chr1:154,570,296, G>A. VCF-style: chr1-154570296-G-A. GRCh37 (hg19) VCF-style: chr1-154542772-G-A.
Identifiers: ClinVar variation 391170 (VCV000391170.4), dbSNP rs367899705, ClinGen allele CA1130692.

ClinVar aggregate classification (germline): Likely benign. Review status: criteria provided, multiple submitters, no conflicts (2 of 4 stars). 2 submissions from 2 submitters: Likely benign (2). Last evaluated 2025-10-26.

Conditions:
Familial sleep-related hypermotor epilepsy. Also called: Autosomal Dominant Sleep-Related Hypermotor (Hyperkinetic) Epilepsy. Identifiers: Orphanet 98784, MedGen C3696898, MONDO:0000030.

Allele frequency attached by ClinVar (database versions not stated): gnomAD exomes below 0.00001 and 0.00002; ExAC 0.00001; gnomAD 0.00001; TOPMed 0.00001; ESP Exome Variant Server 0.00008.
gnomAD v4.1: 38 of 1,612,800 alleles (0.0024%); highest among the groups gnomAD compares: Non-Finnish European, 0.0031%; no homozygotes.

Submissions (2):

Labcorp Genetics (formerly Invitae), Labcorp
Classification: Likely benign. Last evaluated: 2025-10-26. Review status: criteria provided, single submitter. Criteria: Invitae Variant Classification Sherloc (09022015). Collection method: clinical testing. Allele origin: germline.

GeneDx
Classification: Likely benign. Last evaluated: 2016-11-25. Review status: criteria provided, single submitter. Criteria: GeneDx Variant Classification (06012015). Collection method: clinical testing. Allele origin: germline. Affected: yes.
Comment: This variant is considered likely benign or benign based on one or more of the following criteria: it is a conservative change, it occurs at a poorly conserved position in the protein, it is predicted to be benign by multiple in silico algorithms, and/or has population frequency not consistent with disease.